The following is an entry in ClinVar:

ClinVar aggregate classification (germline): Uncertain significance (1 of 4 stars; one submission).

gnomAD v4.1: 1 of 1,612,806 alleles (0.000062%); highest among the groups gnomAD compares: Non-Finnish European, 0.000085%; no homozygotes.

Submission:

Labcorp Genetics (formerly Invitae), Labcorp
Classification: Uncertain significance. Last evaluated: 2025-11-27. Review status: criteria provided, single submitter. Criteria: Invitae Variant Classification Sherloc (09022015). Collection method: clinical testing. Allele origin: germline.
Comment: This sequence change replaces glutamine, which is neutral and polar, with lysine, which is basic and polar, at codon 1845 of the ASPM protein (p.Gln1845Lys). This variant is not present in population databases (gnomAD no frequency). This variant has not been reported in the literature in individuals affected with ASPM-related conditions. Invitae Evidence Modeling of protein sequence and biophysical properties (such as structural, functional, and spatial information, amino acid conservation, physicochemical variation, residue mobility, and thermodynamic stability) indicates that this missense variant is not expected to disrupt ASPM protein function with a negative predictive value of 80%. In summary, the available evidence is currently insufficient to determine the role of this variant in disease. Therefore, it has been classified as a Variant of Uncertain Significance.

NM_018136.5(ASPM):c.5533C>A (p.Gln1845Lys)

Gene: ASPM (assembly factor for spindle microtubules; minus strand). Cytogenetic location: 1q31.3.
Variant type: single nucleotide variant.
Coding change: c.5533C>A on transcript NM_018136.5 (MANE Select); coding-DNA position 5533, C replaced by A.
Protein change: p.Gln1845Lys; replaces glutamine 1845 with lysine.
Molecular consequence: missense variant. On other transcripts: intron variant (1).
Genome position (GRCh38, 1-based): chr1:197,103,718, G>T on the plus strand (C>A on the coding strand, the complement: ASPM is on the minus strand). VCF-style: chr1-197103718-G-T. GRCh37 (hg19) VCF-style: chr1-197072848-G-T.
Other names: c.4066-7554C>A (NM_001206846.2); short protein forms Q1845K.
Identifiers: ClinVar variation 4771842 (VCV004771842.1).